The following is an entry in ClinVar:

ClinVar aggregate classification (germline): Uncertain significance (1 of 4 stars; one submission).

Conditions:
GP1BB-related disorder. Also called: GP1BB-related condition.

Submission:

PreventionGenetics, part of Exact Sciences
Classification: Uncertain significance for GP1BB-related condition. Last evaluated: 2023-06-13. Review status: criteria provided, single submitter. Criteria: ACMG Guidelines, 2015. Collection method: clinical testing. Allele origin: germline.
Comment: The GP1BB c.94T>C variant is predicted to result in the amino acid substitution p.Cys32Arg. To our knowledge, this variant has not been reported in the literature or in a large population database, indicating this variant is rare. At this time, the clinical significance of this variant is uncertain due to the absence of conclusive functional and genetic evidence.

NM_000407.5(GP1BB):c.94T>C (p.Cys32Arg)

Genes: GP1BB (glycoprotein Ib platelet subunit beta; plus strand), SEPT5-GP1BB (SEPT5-GP1BB readthrough; plus strand). Cytogenetic location: 22q11.21.
Variant type: single nucleotide variant.
Coding change: c.94T>C on transcript NM_000407.5 (MANE Select); coding-DNA position 94, T replaced by C.
Protein change: p.Cys32Arg; replaces cysteine 32 with arginine.
Molecular consequence: missense variant. On other transcripts: non-coding transcript variant (2).
Genome position (GRCh38, 1-based): chr22:19,723,937, T>C. VCF-style: chr22-19723937-T-C. GRCh37 (hg19) VCF-style: chr22-19711460-T-C.
Other names: short protein forms C32R.
Identifiers: ClinVar variation 2632385 (VCV002632385.1), dbSNP rs2517804562, ClinGen allele CA410676374.
Genomic context (GRCh38, chr22:19,723,937, plus strand): 5'-CTGCTCCTGCTGCTGGCCCCGCCGAGCCGCCCGGCCGCAGGTTGCCCGGCGCCCTGTAGC[T>C]GCGCGGGGACGCTCGTGGACTGCGGGCGCCGCGGGCTGACTTGGGCCTCGCTGCCGACCG-3'
Protein context (NP_000398.1, residues 22-42): PAAGCPAPCS[Cys32Arg]AGTLVDCGRR